The following is an entry in ClinVar:

NM_006361.6(HOXB13):c.478C>T (p.His160Tyr)

Gene: HOXB13 (homeobox B13; minus strand). Cytogenetic location: 17q21.32.
Variant type: single nucleotide variant.
Coding change: c.478C>T on transcript NM_006361.6 (MANE Select); coding-DNA position 478, C replaced by T.
Protein change: p.His160Tyr; replaces histidine 160 with tyrosine.
Molecular consequence: missense variant.
Genome position (GRCh38, 1-based): chr17:48,728,116, G>A on the plus strand (C>T on the coding strand, the complement: HOXB13 is on the minus strand). VCF-style: chr17-48728116-G-A. GRCh37 (hg19) VCF-style: chr17-46805478-G-A.
Other names: short protein forms H160Y.
Identifiers: ClinVar variation 2827927 (VCV002827927.3), dbSNP rs2509514874, ClinGen allele CA400107373.

ClinVar aggregate classification (germline): Uncertain significance (1 of 4 stars; one submission).

Submission:

Labcorp Genetics (formerly Invitae), Labcorp
Classification: Uncertain significance. Last evaluated: 2023-01-12. Review status: criteria provided, single submitter. Criteria: Invitae Variant Classification Sherloc (09022015). Collection method: clinical testing. Allele origin: germline.
Comment: In summary, the available evidence is currently insufficient to determine the role of this variant in disease. Therefore, it has been classified as a Variant of Uncertain Significance. Advanced modeling of protein sequence and biophysical properties (such as structural, functional, and spatial information, amino acid conservation, physicochemical variation, residue mobility, and thermodynamic stability) performed at Invitae indicates that this missense variant is not expected to disrupt HOXB13 protein function. This variant has not been reported in the literature in individuals affected with HOXB13-related conditions. This variant is not present in population databases (gnomAD no frequency). This sequence change replaces histidine, which is basic and polar, with tyrosine, which is neutral and polar, at codon 160 of the HOXB13 protein (p.His160Tyr).